The following is an entry in ClinVar:

NM_020821.3(VPS13C):c.9415G>A (p.Glu3139Lys)

Gene: VPS13C (vacuolar protein sorting 13 homolog C; minus strand). Cytogenetic location: 15q22.2.
Variant type: single nucleotide variant.
Coding change: c.9415G>A on transcript NM_020821.3 (MANE Select); coding-DNA position 9415, G replaced by A.
Protein change: p.Glu3139Lys; replaces glutamic acid 3139 with lysine.
Molecular consequence: missense variant.
Genome position (GRCh38, 1-based): chr15:61,884,196, C>T on the plus strand (G>A on the coding strand, the complement: VPS13C is on the minus strand). VCF-style: chr15-61884196-C-T. GRCh37 (hg19) VCF-style: chr15-62176395-C-T.
Other names: c.9415G>A, p.Glu3139Lys (NM_001018088.3); c.9286G>A, p.Glu3096Lys (NM_017684.5, NM_018080.4); short protein forms E3096K, E3139K.
Identifiers: ClinVar variation 1935326 (VCV001935326.2), dbSNP rs759474270, ClinGen allele CA7594664.

ClinVar aggregate classification (germline): Uncertain significance (1 of 4 stars; one submission).

Allele frequency attached by ClinVar (database versions not stated): gnomAD 0.00001; gnomAD exomes 0.00001; TOPMed 0.00001; ExAC 0.00004.
gnomAD v4.1: 13 of 1,610,260 alleles (0.00081%); highest among the groups gnomAD compares: Non-Finnish European, 0.00017%; no homozygotes.

Submission:

Labcorp Genetics (formerly Invitae), Labcorp
Classification: Uncertain significance. Last evaluated: 2022-08-16. Review status: criteria provided, single submitter. Criteria: Invitae Variant Classification Sherloc (09022015). Collection method: clinical testing. Allele origin: germline.
Comment: This sequence change replaces glutamic acid, which is acidic and polar, with lysine, which is basic and polar, at codon 3139 of the VPS13C protein (p.Glu3139Lys). This variant is present in population databases (rs759474270, gnomAD 0.05%). This variant has not been reported in the literature in individuals affected with VPS13C-related conditions. Algorithms developed to predict the effect of missense changes on protein structure and function are either unavailable or do not agree on the potential impact of this missense change (SIFT: "Deleterious"; PolyPhen-2: "Probably Damaging"; Align-GVGD: "Class C0"). Algorithms developed to predict the effect of sequence changes on RNA splicing suggest that this variant may disrupt the consensus splice site. In summary, the available evidence is currently insufficient to determine the role of this variant in disease. Therefore, it has been classified as a Variant of Uncertain Significance.